The following is an entry in ClinVar:

NM_001184.4(ATR):c.609A>C (p.Glu203Asp)

Gene: ATR (ATR checkpoint kinase; minus strand). Cytogenetic location: 3q23.
Variant type: single nucleotide variant.
Coding change: c.609A>C on transcript NM_001184.4 (MANE Select); coding-DNA position 609, A replaced by C.
Protein change: p.Glu203Asp; replaces glutamic acid 203 with aspartic acid.
Molecular consequence: missense variant.
Genome position (GRCh38, 1-based): chr3:142,562,793, T>G on the plus strand (A>C on the coding strand, the complement: ATR is on the minus strand). VCF-style: chr3-142562793-T-G. GRCh37 (hg19) VCF-style: chr3-142281635-T-G.
Other names: c.609A>C, p.Glu203Asp (NM_001354579.2); short protein forms E203D.
Identifiers: ClinVar variation 1751548 (VCV001751548.2), dbSNP rs2473428691, ClinGen allele CA354826273.
Genomic context (GRCh38, chr3:142,562,793, plus strand): 5'-TCTAAAAAACACAATTGCAATAATACGAGTAAGAACCATTAATAAAGTGACTTCAATAAA[T>G]TCTAAATTTTGCATACTCATCAACTGCAAAGGAGCTGATTGTAAATATCCCATGTGTTCA-3'
Protein context (NP_001175.2, residues 193-213): PLQLMSMQNL[Glu203Asp]FIEVTLLMVL

ClinVar aggregate classification (germline): Uncertain significance (1 of 4 stars; one submission).

Conditions:
Inborn genetic diseases. Identifiers: MedGen C0950123, MeSH D030342.

Allele frequency attached by ClinVar (database versions not stated): gnomAD exomes below 0.00001.
gnomAD v4.1: 1 of 1,606,724 alleles (0.000062%); highest among the groups gnomAD compares: South Asian, 0.0011%; no homozygotes.

Submission:

Ambry Genetics
Classification: Uncertain significance for Inborn genetic diseases. Last evaluated: 2022-06-11. Review status: criteria provided, single submitter. Criteria: Ambry Variant Classification Scheme 2023. Collection method: clinical testing. Allele origin: germline.
Comment: The p.E203D variant (also known as c.609A>C), located in coding exon 4 of the ATR gene, results from an A to C substitution at nucleotide position 609. The glutamic acid at codon 203 is replaced by aspartic acid, an amino acid with highly similar properties. This amino acid position is conserved. In addition, the in silico prediction for this alteration is inconclusive. Since supporting evidence is limited at this time, the clinical significance of this alteration remains unclear.